The following is an entry in ClinVar:

ClinVar aggregate classification (germline): Uncertain significance (1 of 4 stars; one submission).

Conditions:
Hereditary cancer-predisposing syndrome. Also called: Tumor predisposition; Hereditary Cancer Syndrome; Hereditary neoplastic syndrome; Neoplastic Syndromes, Hereditary. Identifiers: Orphanet 140162, MedGen C0027672, MeSH D009386, MONDO:0015356.

gnomAD v4.1: 1 of 1,613,740 alleles (0.000062%); highest among the groups gnomAD compares: Non-Finnish European, 0.000085%; no homozygotes.

Submission:

Ambry Genetics
Classification: Uncertain significance for Hereditary cancer-predisposing syndrome. Last evaluated: 2024-05-04. Review status: criteria provided, single submitter. Criteria: Ambry Variant Classification Scheme 2023. Collection method: clinical testing. Allele origin: germline.
Comment: The p.V1411M variant (also known as c.4231G>A), located in coding exon 29 of the ALK gene, results from a G to A substitution at nucleotide position 4231. The valine at codon 1411 is replaced by methionine, an amino acid with highly similar properties. This amino acid position is conserved. In addition, the in silico prediction for this alteration is inconclusive. Based on the available evidence, the clinical significance of this variant remains unclear.

NM_004304.5(ALK):c.4231G>A (p.Val1411Met)

Gene: ALK (ALK receptor tyrosine kinase; minus strand). Cytogenetic location: 2p23.2.
Variant type: single nucleotide variant.
Coding change: c.4231G>A on transcript NM_004304.5 (MANE Select); coding-DNA position 4231, G replaced by A.
Protein change: p.Val1411Met; replaces valine 1411 with methionine.
Molecular consequence: missense variant.
Genome position (GRCh38, 1-based): chr2:29,193,856, C>T on the plus strand (G>A on the coding strand, the complement: ALK is on the minus strand). VCF-style: chr2-29193856-C-T. GRCh37 (hg19) VCF-style: chr2-29416722-C-T.
Other names: c.1027G>A, p.Val343Met (NM_001353765.2); short protein forms V343M, V1411M.
Identifiers: ClinVar variation 3286117 (VCV003286117.1).